The following is an entry in ClinVar:

NM_006969.5(ZNF28):c.142+2842T>C

Genes: ZNF28 (zinc finger protein 28; minus strand), ZNF600 (zinc finger protein 600; minus strand). Cytogenetic location: 19q13.41.
Variant type: single nucleotide variant.
Coding change: c.142+2842T>C on transcript NM_006969.5 (MANE Select); 2842 bases into the intron after coding-DNA position 142, T replaced by C.
Molecular consequence: intron variant. On other transcripts: synonymous variant (2), missense variant (1), non-coding transcript variant (1).
Genome position (GRCh38, 1-based): chr19:52,805,165, A>G on the plus strand (T>C on the coding strand, the complement: ZNF28 is on the minus strand). VCF-style: chr19-52805165-A-G. GRCh37 (hg19) VCF-style: chr19-53308418-A-G.
Other names: c.240T>C, p.Leu80= (NM_001369761.1, NM_001369766.1); c.113T>C, p.Phe38Ser (NM_001369763.1); c.-17-3463T>C (NM_001369762.1); c.142+2842T>C (NM_001369764.1); c.34+2842T>C (NM_001369765.1); short protein forms F38S.
Identifiers: ClinVar variation 3388242 (VCV003388242.14).
Genomic context (GRCh38, chr19:52,805,165, plus strand): 5'-AAAAAAATACAAAAAATTAGCCCGCGGTGTTGGCACTCACCTGTAGTCCCAGCTACTTGG[A>G]AGGCTGAGGCAGGAGAATTGCTTGAACCTGGGAAGTGGAGGTTGCAGTGAGCCGAGGTGA-3'

ClinVar aggregate classification (germline): Likely benign (1 of 4 stars; one submission).

Submission:

CeGaT Center for Human Genetics Tuebingen
Classification: Likely benign. Last evaluated: 2024-10-01. Review status: criteria provided, single submitter. Criteria: CeGaT Center For Human Genetics Tuebingen Variant Classification Criteria Version 2. Collection method: clinical testing. Allele origin: germline. Affected: yes. Observed: 1 variant allele.
Comment: ZNF28: PM2:Supporting, BP4, BP7